The following is an entry in ClinVar:

NM_001371727.1(GABRB2):c.226G>C (p.Glu76Gln)

Gene: GABRB2 (gamma-aminobutyric acid type A receptor subunit beta2; minus strand). Cytogenetic location: 5q34.
Variant type: single nucleotide variant.
Coding change: c.226G>C on transcript NM_001371727.1 (MANE Select); coding-DNA position 226, G replaced by C.
Protein change: p.Glu76Gln; replaces glutamic acid 76 with glutamine.
Molecular consequence: missense variant.
Genome position (GRCh38, 1-based): chr5:161,545,238, C>G on the plus strand (G>C on the coding strand, the complement: GABRB2 is on the minus strand). VCF-style: chr5-161545238-C-G. GRCh37 (hg19) VCF-style: chr5-160972244-C-G.
Other names: c.226G>C, p.Glu76Gln (NM_000813.3, NM_021911.3); short protein forms E76Q.
Identifiers: ClinVar variation 2709803 (VCV002709803.3), dbSNP rs2480166612, ClinGen allele CA362172388.

ClinVar aggregate classification (germline): Uncertain significance (1 of 4 stars; one submission).

Conditions:
Intellectual disability. Also called: Intellectual functioning disability; intellectual disabilities; Intellectual developmental disorder. Identifiers: MedGen C3714756, MeSH D008607, MONDO:0001071, HP:0001249.

Submission:

Labcorp Genetics (formerly Invitae), Labcorp
Classification: Uncertain significance for Intellectual disability. Last evaluated: 2024-01-17. Review status: criteria provided, single submitter. Criteria: Invitae Variant Classification Sherloc (09022015). Collection method: clinical testing. Allele origin: germline.
Comment: This sequence change replaces glutamic acid, which is acidic and polar, with glutamine, which is neutral and polar, at codon 76 of the GABRB2 protein (p.Glu76Gln). This variant is not present in population databases (gnomAD no frequency). This variant has not been reported in the literature in individuals affected with GABRB2-related conditions. Advanced modeling of protein sequence and biophysical properties (such as structural, functional, and spatial information, amino acid conservation, physicochemical variation, residue mobility, and thermodynamic stability) has been performed at Invitae for this missense variant, however the output from this modeling did not meet the statistical confidence thresholds required to predict the impact of this variant on GABRB2 protein function. This variant disrupts the p.Glu76 amino acid residue in GABRB2. Other variant(s) that disrupt this residue have been determined to be pathogenic (Invitae). This suggests that this residue is clinically significant, and that variants that disrupt this residue are likely to be disease-causing. In summary, the available evidence is currently insufficient to determine the role of this variant in disease. Therefore, it has been classified as a Variant of Uncertain Significance.